The following is an entry in ClinVar:

NM_001035.3(RYR2):c.5011C>T (p.Arg1671Trp)

Gene: RYR2 (ryanodine receptor 2; plus strand). Cytogenetic location: 1q43.
Variant type: single nucleotide variant.
Coding change: c.5011C>T on transcript NM_001035.3 (MANE Select); coding-DNA position 5011, C replaced by T.
Protein change: p.Arg1671Trp; replaces arginine 1671 with tryptophan.
Molecular consequence: missense variant.
Genome position (GRCh38, 1-based): chr1:237,614,139, C>T. VCF-style: chr1-237614139-C-T. GRCh37 (hg19) VCF-style: chr1-237777439-C-T.
Other names: c.5011C>T, p.Arg1671Trp (LRG_402t1); short protein forms R1671W.
Identifiers: ClinVar variation 463604 (VCV000463604.31), dbSNP rs747404408, ClinGen allele CA086819.

ClinVar aggregate classification (germline): Uncertain significance. Review status: criteria provided, multiple submitters, no conflicts (2 of 4 stars). 8 submissions from 7 submitters: Uncertain significance (8). Last evaluated 2025-10-27.

Conditions:
Cardiovascular phenotype. Identifiers: MedGen CN230736.
Catecholaminergic polymorphic ventricular tachycardia (CVPT). Also called: Catecholamine-induced polymorphic ventricular tachycardia. Identifiers: Orphanet 3286, MedGen C5574922, MONDO:0017990.
Cardiomyopathy (CMYO). Also called: Cardiomyopathies. Identifiers: Orphanet 167848, MedGen C0878544, MONDO:0004994, HP:0001638. Inheritance: Various modes of inheritance.
Catecholaminergic polymorphic ventricular tachycardia 1. Also called: VENTRICULAR TACHYCARDIA, STRESS-INDUCED POLYMORPHIC 1; VENTRICULAR TACHYCARDIA, CATECHOLAMINERGIC POLYMORPHIC, 1, WITH OR WITHOUT ATRIAL DYSFUNCTION AND/OR DILATED CARDIOMYOPATHY; RYR2-Related Catecholaminergic Polymorphic Ventricular Tachycardia. Identifiers: Orphanet 3286, MedGen C1631597, MONDO:0011484, OMIM 604772.
Arrhythmogenic right ventricular dysplasia 2. Identifiers: MedGen C1832931.

Allele frequency attached by ClinVar (database versions not stated): gnomAD 0.00003; TOPMed 0.00003.
gnomAD v4.1: 38 of 1,613,900 alleles (0.0024%); highest among the groups gnomAD compares: Non-Finnish European, 0.003%; no homozygotes.

Submissions (8):

Labcorp Genetics (formerly Invitae), Labcorp
Classification: Uncertain significance for Catecholaminergic polymorphic ventricular tachycardia 1. Last evaluated: 2025-10-27. Review status: criteria provided, single submitter. Criteria: Invitae Variant Classification Sherloc (09022015). Collection method: clinical testing. Allele origin: germline.
Comment: This sequence change replaces arginine, which is basic and polar, with tryptophan, which is neutral and slightly polar, at codon 1671 of the RYR2 protein (p.Arg1671Trp). This variant is present in population databases (rs747404408, gnomAD 0.003%). This variant has not been reported in the literature in individuals affected with RYR2-related conditions. ClinVar contains an entry for this variant (Variation ID: 463604). Invitae Evidence Modeling of protein sequence and biophysical properties (such as structural, functional, and spatial information, amino acid conservation, physicochemical variation, residue mobility, and thermodynamic stability) indicates that this missense variant is expected to disrupt RYR2 protein function with a positive predictive value of 95%. In summary, the available evidence is currently insufficient to determine the role of this variant in disease. Therefore, it has been classified as a Variant of Uncertain Significance.

All of Us Research Program, National Institutes of Health
Classification: Uncertain significance for Catecholaminergic polymorphic ventricular tachycardia. Last evaluated: 2024-09-23. Review status: criteria provided, single submitter. Criteria: ACMG Guidelines, 2015. Collection method: clinical testing. Allele origin: germline. Inheritance: Autosomal dominant inheritance. Observed: 18 variant alleles, 18 heterozygotes.
Comment: This variant is located in the RYR2 protein. Computational prediction suggests that this variant may have deleterious impact on protein structure and function (internally defined REVEL score threshold >= 0.7, PMID: 27666373). To our knowledge, functional studies have not been reported for this variant. This variant has not been reported in individuals affected with cardiovascular disorders in the literature. This variant has been identified in 6/280464 chromosomes in the general population by the Genome Aggregation Database (gnomAD). The available evidence is insufficient to determine the role of this variant in disease conclusively. Therefore, this variant is classified as a Variant of Uncertain Significance.

This study involves interpretation of variants in research participants for the purpose of population health screening. Participant phenotype was not available at the time of variant classification. Additional details can be found in publication PMID: 35346344, PMCID: PMC8962531

Color Diagnostics, LLC DBA Color Health
Classification: Uncertain significance for Cardiomyopathy. Last evaluated: 2024-03-06. Review status: criteria provided, single submitter. Criteria: ACMG Guidelines, 2015. Collection method: clinical testing. Allele origin: germline.
Comment: This variant is located in the RYR2 protein. Computational prediction suggests that this variant may have deleterious impact on protein structure and function (internally defined REVEL score threshold >= 0.7, PMID: 27666373). To our knowledge, functional studies have not been reported for this variant. This variant has not been reported in individuals affected with cardiovascular disorders in the literature. This variant has been identified in 6/280464 chromosomes in the general population by the Genome Aggregation Database (gnomAD). The available evidence is insufficient to determine the role of this variant in disease conclusively. Therefore, this variant is classified as a Variant of Uncertain Significance.

Ambry Genetics
Classification: Uncertain significance for Cardiovascular phenotype. Last evaluated: 2023-07-31. Review status: criteria provided, single submitter. Criteria: Ambry Variant Classification Scheme 2023. Collection method: clinical testing. Allele origin: germline.
Comment: The p.R1671W variant (also known as c.5011C>T), located in coding exon 37 of the RYR2 gene, results from a C to T substitution at nucleotide position 5011. The arginine at codon 1671 is replaced by tryptophan, an amino acid with dissimilar properties. This amino acid position is highly conserved in available vertebrate species. In addition, this alteration is predicted to be deleterious by in silico analysis. Since supporting evidence is limited at this time, the clinical significance of this alteration remains unclear.

GeneDx
Classification: Uncertain significance. Last evaluated: 2022-05-27. Review status: criteria provided, single submitter. Criteria: GeneDx Variant Classification Process June 2021. Collection method: clinical testing. Allele origin: germline. Affected: yes.
Comment: Has not been previously published as pathogenic or benign to our knowledge; Not observed at significant frequency in large population cohorts (gnomAD); Not located in one of the three hot-spot regions of the RYR2 gene, where the majority of pathogenic missense variants occur (Medeiros-Domingo et al., 2009); In silico analysis supports that this missense variant has a deleterious effect on protein structure/function; This variant is associated with the following publications: (PMID: 19926015)

AiLife Diagnostics
Classification: Uncertain significance. Last evaluated: 2021-07-16. Review status: criteria provided, single submitter. Criteria: ACMG Guidelines, 2015. Collection method: clinical testing. Allele origin: germline. Affected: yes. Observed: 1 variant allele.

Illumina Laboratory Services, Illumina
Classification: Uncertain significance for Catecholaminergic polymorphic ventricular tachycardia 1. Last evaluated: 2018-01-13. Review status: criteria provided, single submitter. Criteria: ICSL Variant Classification Criteria 13 December 2019. Collection method: clinical testing. Allele origin: germline.

Illumina Laboratory Services, Illumina
Classification: Uncertain significance for Catecholaminergic polymorphic ventricular tachycardia 1. Last evaluated: 2018-01-13. Review status: criteria provided, single submitter. Criteria: ICSL Variant Classification Criteria 13 December 2019. Collection method: clinical testing. Allele origin: germline.